The following is an entry in ClinVar:

ClinVar aggregate classification (germline): Uncertain significance (1 of 4 stars; one submission).

Conditions:
Brugada syndrome 8 (BRGDA8). Identifiers: Orphanet 130, MedGen C2751083, MONDO:0013148, OMIM 613123.

Submission:

Labcorp Genetics (formerly Invitae), Labcorp
Classification: Uncertain significance for Brugada syndrome 8. Last evaluated: 2024-05-16. Review status: criteria provided, single submitter. Criteria: Invitae Variant Classification Sherloc (09022015). Collection method: clinical testing. Allele origin: germline.
Comment: This sequence change replaces glycine, which is neutral and non-polar, with aspartic acid, which is acidic and polar, at codon 655 of the HCN4 protein (p.Gly655Asp). This variant is not present in population databases (gnomAD no frequency). This variant has not been reported in the literature in individuals affected with HCN4-related conditions. Advanced modeling of protein sequence and biophysical properties (such as structural, functional, and spatial information, amino acid conservation, physicochemical variation, residue mobility, and thermodynamic stability) has been performed at Invitae for this missense variant, however the output from this modeling did not meet the statistical confidence thresholds required to predict the impact of this variant on HCN4 protein function. In summary, the available evidence is currently insufficient to determine the role of this variant in disease. Therefore, it has been classified as a Variant of Uncertain Significance.

NM_005477.3(HCN4):c.1964G>A (p.Gly655Asp)

Gene: HCN4 (hyperpolarization activated cyclic nucleotide gated potassium channel 4; minus strand). Cytogenetic location: 15q24.1.
Variant type: single nucleotide variant.
Coding change: c.1964G>A on transcript NM_005477.3 (MANE Select); coding-DNA position 1964, G replaced by A.
Protein change: p.Gly655Asp; replaces glycine 655 with aspartic acid.
Molecular consequence: missense variant.
Genome position (GRCh38, 1-based): chr15:73,324,969, C>T on the plus strand (G>A on the coding strand, the complement: HCN4 is on the minus strand). VCF-style: chr15-73324969-C-T. GRCh37 (hg19) VCF-style: chr15-73617310-C-T.
Other names: short protein forms G655D.
Identifiers: ClinVar variation 3653672 (VCV003653672.2).